The following is an entry in ClinVar:

NM_198123.2(CSMD3):c.4602C>T (p.Pro1534=)

Gene: CSMD3 (CUB and Sushi multiple domains 3; minus strand). Cytogenetic location: 8q23.3.
Variant type: single nucleotide variant.
Coding change: c.4602C>T on transcript NM_198123.2 (MANE Select); coding-DNA position 4602, C replaced by T.
Protein change: p.Pro1534=; no amino-acid change (proline 1534 retained).
Molecular consequence: synonymous variant.
Genome position (GRCh38, 1-based): chr8:112,517,188, G>A on the plus strand (C>T on the coding strand, the complement: CSMD3 is on the minus strand). VCF-style: chr8-112517188-G-A. GRCh37 (hg19) VCF-style: chr8-113529417-G-A.
Other names: c.4212C>T, p.Pro1404= (NM_001363185.1); c.4290C>T, p.Pro1430= (NM_052900.3); c.4482C>T, p.Pro1494= (NM_198124.2).
Identifiers: ClinVar variation 3039050 (VCV003039050.2), dbSNP rs746629796, ClinGen allele CA4850107.

ClinVar aggregate classification (germline): Likely benign (0 of 4 stars; one submission).

Conditions:
CSMD3-related disorder. Also called: CSMD3-related condition.

Allele frequency attached by ClinVar (database versions not stated): ExAC 0.00001; gnomAD 0.00001; TOPMed 0.00001; gnomAD exomes 0.00006.
gnomAD v4.1: 82 of 1,613,520 alleles (0.0051%); highest among the groups gnomAD compares: Non-Finnish European, 0.0069%; no homozygotes.

Submission:

PreventionGenetics, part of Exact Sciences
Classification: Likely benign for CSMD3-related condition. Last evaluated: 2019-05-23. Review status: no assertion criteria provided. Collection method: clinical testing. Allele origin: germline.
Comment: This variant is classified as likely benign based on ACMG/AMP sequence variant interpretation guidelines (Richards et al. 2015 PMID: 25741868, with internal and published modifications).